The following is an entry in ClinVar:

NM_014000.3(VCL):c.2072C>T (p.Ala691Val)

Gene: VCL (vinculin; plus strand). Cytogenetic location: 10q22.2.
Variant type: single nucleotide variant.
Coding change: c.2072C>T on transcript NM_014000.3 (MANE Select); coding-DNA position 2072, C replaced by T.
Protein change: p.Ala691Val; replaces alanine 691 with valine.
Molecular consequence: missense variant.
Genome position (GRCh38, 1-based): chr10:74,103,869, C>T. VCF-style: chr10-74103869-C-T. GRCh37 (hg19) VCF-style: chr10-75863627-C-T.
Other names: c.2072C>T, p.Ala691Val (NM_003373.4); short protein forms A691V.
Identifiers: ClinVar variation 2610367 (VCV002610367.3), dbSNP rs2549231547, ClinGen allele CA377261235.

ClinVar aggregate classification (germline): Uncertain significance (1 of 4 stars; one submission).

Conditions:
Cardiovascular phenotype. Identifiers: MedGen CN230736.

Submission:

Ambry Genetics
Classification: Uncertain significance for Cardiovascular phenotype. Last evaluated: 2025-08-28. Review status: criteria provided, single submitter. Criteria: Ambry Variant Classification Scheme 2023. Collection method: clinical testing. Allele origin: germline.
Comment: The p.A691V variant (also known as c.2072C>T), located in coding exon 15 of the VCL gene, results from a C to T substitution at nucleotide position 2072. The alanine at codon 691 is replaced by valine, an amino acid with similar properties. This amino acid position is conserved. In addition, this alteration is predicted to be deleterious by in silico analysis. Based on the available evidence, the clinical significance of this variant remains unclear.